The following is an entry in ClinVar:

ClinVar aggregate classification (germline): Uncertain significance (1 of 4 stars; one submission).

Allele frequency attached by ClinVar (database versions not stated): gnomAD exomes 0.00001; TOPMed 0.00002; gnomAD 0.00003; 1000 Genomes Project 30x 0.00031.
gnomAD v4.1: 18 of 1,614,182 alleles (0.0011%); highest among the groups gnomAD compares: African/African-American, 0.004%; no homozygotes.

Submission:

Labcorp Genetics (formerly Invitae), Labcorp
Classification: Uncertain significance. Last evaluated: 2024-12-24. Review status: criteria provided, single submitter. Criteria: Invitae Variant Classification Sherloc (09022015). Collection method: clinical testing. Allele origin: germline.
Comment: This sequence change replaces arginine, which is basic and polar, with tryptophan, which is neutral and slightly polar, at codon 915 of the HYOU1 protein (p.Arg915Trp). This variant is present in population databases (rs191689789, gnomAD 0.008%). This variant has not been reported in the literature in individuals affected with HYOU1-related conditions. ClinVar contains an entry for this variant (Variation ID: 2421846). An algorithm developed to predict the effect of missense changes on protein structure and function (PolyPhen-2) suggests that this variant is likely to be disruptive. In summary, the available evidence is currently insufficient to determine the role of this variant in disease. Therefore, it has been classified as a Variant of Uncertain Significance.

NM_006389.5(HYOU1):c.2743C>T (p.Arg915Trp)

Gene: HYOU1 (hypoxia up-regulated 1; minus strand). Cytogenetic location: 11q23.3.
Variant type: single nucleotide variant.
Coding change: c.2743C>T on transcript NM_006389.5 (MANE Select); coding-DNA position 2743, C replaced by T.
Protein change: p.Arg915Trp; replaces arginine 915 with tryptophan.
Molecular consequence: missense variant.
Genome position (GRCh38, 1-based): chr11:119,046,655, G>A on the plus strand (C>T on the coding strand, the complement: HYOU1 is on the minus strand). VCF-style: chr11-119046655-G-A. GRCh37 (hg19) VCF-style: chr11-118917367-G-A.
Other names: c.2743C>T, p.Arg915Trp (NM_001130991.3, NM_001411041.1); short protein forms R915W.
Identifiers: ClinVar variation 2421846 (VCV002421846.6), dbSNP rs191689789, ClinGen allele CA229616911.